The following is an entry in ClinVar:

NC_000023.11:g.(?_22133523)_(22227611_?)dup

Gene: PHEX (phosphate regulating endopeptidase X-linked; plus strand). Cytogenetic location: Xp22.11.
Variant type: Duplication.
Identifiers: ClinVar variation 831563 (VCV000831563.7).

ClinVar aggregate classification (germline): Uncertain significance (1 of 4 stars; one submission).

Submission:

Labcorp Genetics (formerly Invitae), Labcorp
Classification: Uncertain significance. Last evaluated: 2019-09-11. Review status: criteria provided, single submitter. Criteria: Invitae Variant Classification Sherloc (09022015). Collection method: clinical testing. Allele origin: germline.
Comment: In summary, the available evidence is currently insufficient to determine the role of this variant in disease. Therefore, it has been classified as a Variant of Uncertain Significance. This variant results in a copy number gain of the genomic region encompassing exons 12-20 of the PHEX gene. While the exact position of this variant cannot be determined from this data, sub-genic copy number gains are generally in tandem (PMID: 25640679). This variant would be expected to be in-frame, preserving the integrity of the reading frame.

Literature cited by the submitters: PubMed 25640679.